The following is an entry in ClinVar:

NM_000203.5(IDUA):c.178C>T (p.Gln60Ter)

Genes: IDUA (alpha-L-iduronidase; plus strand), SLC26A1 (solute carrier family 26 member 1; minus strand). Cytogenetic location: 4p16.3.
Variant type: single nucleotide variant.
Coding change: c.178C>T on transcript NM_000203.5 (MANE Select); coding-DNA position 178, C replaced by T.
Protein change: p.Gln60Ter; replaces glutamine 60 with a stop codon.
Molecular consequence: nonsense. On other transcripts: 3 prime UTR variant (2), non-coding transcript variant (1), intron variant (1).
Genome position (GRCh38, 1-based): chr4:987,828, C>T. VCF-style: chr4-987828-C-T. GRCh37 (hg19) VCF-style: chr4-981616-C-T.
Other names: NM_000203.5(IDUA):c.178C>T; p.Gln60Ter; c.*1005G>A (NM_022042.4, NM_213613.4); c.576+3300G>A (NM_134425.4); short protein forms Q60*.
Identifiers: ClinVar variation 655054 (VCV000655054.17), dbSNP rs1577508801, ClinGen allele CA355946098.
Genomic context (GRCh38, chr4:987,828, plus strand): 5'-TGCTGAGGCTCGGGACTGAGCCGCCCCTTTGTTGTCCCCAGCCCCCCGCTGCCACACAGC[C>T]AGGCTGACCAGTACGTCCTCAGCTGGGACCAGCAGCTCAACCTCGCCTATGTGGGCGCCG-3'

ClinVar aggregate classification (germline): Pathogenic. Review status: reviewed by expert panel (3 of 4 stars). 4 submissions from 4 submitters: Pathogenic (1). 3 of the submissions do not count toward it. Last evaluated 2025-06-16.

Conditions:
Mucopolysaccharidosis type 1. Also called: IDUA deficiency; MPS I; Mucopolysaccharidosis Type I. Identifiers: Orphanet 579, MedGen C0023786, MONDO:0001586.
Mucopolysaccharidosis, MPS-I-S. Also called: MPS V; MUCOPOLYSACCHARIDOSIS TYPE V; Scheie Syndrome; MUCOPOLYSACCHARIDOSIS TYPE IS. Identifiers: Orphanet 93474, MedGen C0026708, MONDO:0011760, OMIM 607016.
Hurler syndrome. Also called: Gargoylism, Hurler Syndrome; Severe MPS I (Hurler Syndrome); MUCOPOLYSACCHARIDOSIS TYPE IH. Identifiers: Orphanet 93473, MedGen C0086795, MONDO:0011758, OMIM 607014.
Mucopolysaccharidosis, MPS-I-H/S. Also called: Mucopolysaccharidosis type IH/S. Identifiers: Orphanet 93476, MedGen C0086431, MONDO:0011759, OMIM 607015.

Allele frequency attached by ClinVar (database versions not stated): gnomAD exomes below 0.00001.
gnomAD v4.1: 1 of 1,612,512 alleles (0.000062%); highest among the groups gnomAD compares: East Asian, 0.0022%; no homozygotes.

Submissions (4):

ClinGen Lysosomal Storage Disorder Variant Curation Expert Panel
Classification: Pathogenic for Mucopolysaccharidosis type 1. Last evaluated: 2025-06-16. Review status: reviewed by expert panel. Criteria: ClinGen LSD ACMG Specifications IDUA V1.0.0. Collection method: curation. Allele origin: germline. Inheritance: Autosomal recessive inheritance.
Comment: The NM_000203.5(IDUA):c.178C>T (p.Gln60Ter) variant in IDUA is a nonsense variant predicted to cause a premature stop codon in biologically-relevant exon 2 out of 14, leading to nonsense mediated decay in a gene in which loss-of-function is an established disease mechanism (PVS1). At least 1 patient with this variant had documented IDUA deficiency within the affected range in leukocytes and clinical features specific to MPS I including skeletal abnormalities and hepatosplenomegaly (PP4). This individual was compound heterozygous for the variant and another variant in IDUA that has been classified as pathogenic by the ClinGen LD VCEP, c.208C>T (p.Gln70Ter) (ClinVar Variation ID: 11909); confirmed in trans by parental testing (PMID: 11735025, 1 pt) PM3). The highest population minor allele frequency in gnomAD v4.1.0. is 0.00002228 (1/44874 alleles) in the East Asian population, which is lower than the ClinGen Lysosomal Diseases VCEP’s threshold for PM2_Supporting (<0.00025), meeting this criterion (PM2_Supporting). There is a ClinVar entry for this variant (Variation ID: 655054). In summary, this variant meets the criteria to be classified as pathogenic for MPS I based on the IDUA-specific ACMG/AMP criteria applied, as specified by the ClinGen Lysosomal Diseases Variant Curation Expert Panel (Specifications Version 1.0.0): PVS1, PM3, PP4, PM2_Supporting. (Classification approved by the ClinGen Lysosomal Diseases Variant Curation Expert Panel on June 16, 2025)

Labcorp Genetics (formerly Invitae), Labcorp
Classification: Pathogenic for Mucopolysaccharidosis type 1. Last evaluated: 2019-09-21. Review status: criteria provided, single submitter. Criteria: Invitae Variant Classification Sherloc (09022015). Collection method: clinical testing. Allele origin: germline. Not counted in ClinVar's aggregate classification.
Comment: This sequence change creates a premature translational stop signal (p.Gln60*) in the IDUA gene. It is expected to result in an absent or disrupted protein product. For these reasons, this variant has been classified as Pathogenic. Loss-of-function variants in IDUA are known to be pathogenic (PMID: 11735025, 21480867). This variant has been observed in individuals affected with mucopolysaccharidosis type I (PMID: 11735025, 17407067). This variant is not present in population databases (ExAC no frequency).

Juno Genomics, Hangzhou Juno Genomics, Inc
Classification: Pathogenic for Hurler syndrome; Mucopolysaccharidosis, MPS-I-H/S; Mucopolysaccharidosis, MPS-I-S. Review status: criteria provided, single submitter. Criteria: ACMG Guidelines, 2015. Collection method: clinical testing. Allele origin: germline. Not counted in ClinVar's aggregate classification.
Comment: Absent from controls (or at extremely low frequency if recessive) in Genome Aggregation Database.;Null variant in a gene where loss of function (LOF) is a known mechanism of disease.;For recessive disorders, detected in trans with a pathogenic variant.

Natera, Inc.
Classification: Pathogenic for Mucopolysaccharidosis type I. Last evaluated: 2021-10-11. Review status: no assertion criteria provided. Collection method: clinical testing. Allele origin: germline. Not counted in ClinVar's aggregate classification.

Literature cited by the submitters: PubMed 11735025 (cited by Labcorp Genetics (formerly Invitae), Labcorp); PubMed 21480867 (cited by Labcorp Genetics (formerly Invitae), Labcorp); PubMed 17407067 (cited by Labcorp Genetics (formerly Invitae), Labcorp).